The following is an entry in ClinVar:

ClinVar aggregate classification (germline): Uncertain significance (1 of 4 stars; one submission).

Conditions:
Agammaglobulinemia 7, autosomal recessive (AGM7). Also called: AGAMMAGLOBULINEMIA, AUTOSOMAL RECESSIVE, DUE TO PIK3R1 DEFECT. Identifiers: MedGen C3554689, MONDO:0014083, OMIM 615214.
Immunodeficiency 36 with lymphoproliferation. Also called: Immunodeficiency 36; ACTIVATED PI3K-DELTA SYNDROME 2; Activated PI3K Delta Syndrome Type 2 (APDS2). Identifiers: Orphanet 397596, Orphanet 693681, MedGen C4014934, MONDO:0014453, OMIM 616005.
SHORT syndrome. Also called: SHORT STATURE, HYPEREXTENSIBILITY, HERNIA, OCULAR DEPRESSION, RIEGER ANOMALY, AND TEETHING DELAY; LIPODYSTROPHY, PARTIAL, WITH RIEGER ANOMALY AND SHORT STATURE; PIK3R1-Related SHORT Syndrome. Identifiers: Orphanet 3163, MedGen C0878684, MONDO:0010026, OMIM 269880.

Submission:

Labcorp Genetics (formerly Invitae), Labcorp
Classification: Uncertain significance for SHORT syndrome; Immunodeficiency 36 with lymphoproliferation; Agammaglobulinemia 7, autosomal recessive. Last evaluated: 2024-12-07. Review status: criteria provided, single submitter. Criteria: Invitae Variant Classification Sherloc (09022015). Collection method: clinical testing. Allele origin: germline.
Comment: This sequence change replaces isoleucine, which is neutral and non-polar, with threonine, which is neutral and polar, at codon 509 of the PIK3R1 protein (p.Ile509Thr). This variant is present in population databases (rs751229392, gnomAD 0.0009%). This variant has not been reported in the literature in individuals affected with PIK3R1-related conditions. Invitae Evidence Modeling of protein sequence and biophysical properties (such as structural, functional, and spatial information, amino acid conservation, physicochemical variation, residue mobility, and thermodynamic stability) indicates that this missense variant is not expected to disrupt PIK3R1 protein function with a negative predictive value of 80%. In summary, the available evidence is currently insufficient to determine the role of this variant in disease. Therefore, it has been classified as a Variant of Uncertain Significance.

NM_181523.3(PIK3R1):c.1526T>C (p.Ile509Thr)

Gene: PIK3R1 (phosphoinositide-3-kinase regulatory subunit 1; plus strand). Cytogenetic location: 5q13.1.
Variant type: single nucleotide variant.
Coding change: c.1526T>C on transcript NM_181523.3 (MANE Select); coding-DNA position 1526, T replaced by C.
Protein change: p.Ile509Thr; replaces isoleucine 509 with threonine.
Molecular consequence: missense variant.
Genome position (GRCh38, 1-based): chr5:68,294,636, T>C. VCF-style: chr5-68294636-T-C. GRCh37 (hg19) VCF-style: chr5-67590464-T-C.
Other names: c.437T>C, p.Ile146Thr (NM_001242466.2); c.716T>C, p.Ile239Thr (NM_181504.4); c.626T>C, p.Ile209Thr (NM_181524.2); short protein forms I146T, I209T, I239T, I509T.
Identifiers: ClinVar variation 3758322 (VCV003758322.2).